The following is an entry in ClinVar:

ClinVar aggregate classification (germline): Uncertain significance (1 of 4 stars; one submission).

Submission:

GeneDx
Classification: Uncertain significance. Last evaluated: 2025-06-28. Review status: criteria provided, single submitter. Criteria: GeneDx Variant Classification Process June 2021. Collection method: clinical testing. Allele origin: germline. Affected: yes.
Comment: Not observed at significant frequency in large population cohorts (gnomAD); In silico analysis supports that this missense variant has a deleterious effect on protein structure/function; Has not been previously published as pathogenic or benign to our knowledge

NM_000257.4(MYH7):c.3466G>A (p.Ala1156Thr)

Gene: MYH7 (myosin heavy chain 7; minus strand). Cytogenetic location: 14q11.2.
Variant type: single nucleotide variant.
Coding change: c.3466G>A on transcript NM_000257.4 (MANE Select); coding-DNA position 3466, G replaced by A.
Protein change: p.Ala1156Thr; replaces alanine 1156 with threonine.
Molecular consequence: missense variant.
Genome position (GRCh38, 1-based): chr14:23,420,105, C>T on the plus strand (G>A on the coding strand, the complement: MYH7 is on the minus strand). VCF-style: chr14-23420105-C-T. GRCh37 (hg19) VCF-style: chr14-23889314-C-T.
Other names: c.3466G>A, p.Ala1156Thr (NM_001407004.1); short protein forms A1156T.
Identifiers: ClinVar variation 4680865 (VCV004680865.1).
Genomic context (GRCh38, chr14:23,420,105, plus strand): 5'-GCCGCATCTTCTGGAACTCGGCCTCGCGCTTCTTGTTCATCTCGATCTGCACGGACGTGG[C>T]CCCGCCGGCCTCTTCCAGCCGCTCGCTGATCTCCTCCAGCTCCCGAGACAGGTCTGAGCG-3'
Protein context (NP_000248.2, residues 1146-1166): ISERLEEAGG[Ala1156Thr]TSVQIEMNKK